The following is an entry in ClinVar:

NM_001394062.1(MACF1):c.18379A>G (p.Ile6127Val)

Gene: MACF1 (microtubule actin crosslinking factor 1; plus strand). Cytogenetic location: 1p34.3.
Variant type: single nucleotide variant.
Coding change: c.18379A>G on transcript NM_001394062.1 (MANE Select); coding-DNA position 18379, A replaced by G.
Protein change: p.Ile6127Val; replaces isoleucine 6127 with valine.
Molecular consequence: missense variant.
Genome position (GRCh38, 1-based): chr1:39,439,432, A>G. VCF-style: chr1-39439432-A-G. GRCh37 (hg19) VCF-style: chr1-39905104-A-G.
Other names: c.6457A>G, p.Ile2153Val (NM_001397473.1); c.12202A>G, p.Ile4068Val (NM_012090.5); short protein forms I2153V, I4068V, I6127V.
Identifiers: ClinVar variation 4536465 (VCV004536465.1).

ClinVar aggregate classification (germline): Uncertain significance (1 of 4 stars; one submission).

gnomAD v4.1: 2 of 1,614,178 alleles (0.00012%); highest among the groups gnomAD compares: East Asian, 0.0022%; no homozygotes.

Submission:

GeneDx
Classification: Uncertain significance. Last evaluated: 2025-06-04. Review status: criteria provided, single submitter. Criteria: GeneDx Variant Classification Process June 2021. Collection method: clinical testing. Allele origin: germline. Affected: yes.
Comment: Not observed at significant frequency in large population cohorts (gnomAD); In silico analysis suggests that this missense variant does not alter protein structure/function; Has not been previously published as pathogenic or benign to our knowledge